The following is an entry in ClinVar:

NM_000135.4(FANCA):c.2437C>T (p.Pro813Ser)

Gene: FANCA (FA complementation group A; minus strand). Cytogenetic location: 16q24.3.
Variant type: single nucleotide variant.
Coding change: c.2437C>T on transcript NM_000135.4 (MANE Select); coding-DNA position 2437, C replaced by T.
Protein change: p.Pro813Ser; replaces proline 813 with serine.
Molecular consequence: missense variant.
Genome position (GRCh38, 1-based): chr16:89,769,904, G>A on the plus strand (C>T on the coding strand, the complement: FANCA is on the minus strand). VCF-style: chr16-89769904-G-A. GRCh37 (hg19) VCF-style: chr16-89836312-G-A.
Other names: c.2437C>T, p.Pro813Ser (NM_001286167.3); short protein forms P813S.
Identifiers: ClinVar variation 937600 (VCV000937600.8), dbSNP rs2039263207, ClinGen allele CA397443422.

ClinVar aggregate classification (germline): Conflicting classifications of pathogenicity. Review status: criteria provided, conflicting classifications (1 of 4 stars). 2 submissions from 2 submitters: Uncertain significance (1); Likely benign (1). Last evaluated 2025-04-05.

Conditions:
Inborn genetic diseases. Identifiers: MedGen C0950123, MeSH D030342.
Fanconi anemia (FA). Also called: Fanconi's anemia. Identifiers: Orphanet 84, MedGen C0015625, MeSH D005199, MONDO:0019391.

Allele frequency attached by ClinVar (database versions not stated): gnomAD 0.00001.
gnomAD v4.1: 1 of 1,614,000 alleles (0.000062%); highest among the groups gnomAD compares: Non-Finnish European, 0.000085%; no homozygotes.

Submissions (2):

Ambry Genetics
Classification: Likely benign for Inborn genetic diseases. Last evaluated: 2025-04-05. Review status: criteria provided, single submitter. Criteria: Ambry Variant Classification Scheme 2023. Collection method: clinical testing. Allele origin: germline.

Labcorp Genetics (formerly Invitae), Labcorp
Classification: Uncertain significance for Fanconi anemia. Last evaluated: 2021-09-02. Review status: criteria provided, single submitter. Criteria: Invitae Variant Classification Sherloc (09022015). Collection method: clinical testing. Allele origin: germline.
Comment: This sequence change replaces proline with serine at codon 813 of the FANCA protein (p.Pro813Ser). The proline residue is weakly conserved and there is a moderate physicochemical difference between proline and serine. This variant is not present in population databases (ExAC no frequency). This variant has not been reported in the literature in individuals affected with FANCA-related conditions. Algorithms developed to predict the effect of missense changes on protein structure and function output the following: SIFT: "Tolerated"; PolyPhen-2: "Possibly Damaging"; Align-GVGD: "Class C0". The serine amino acid residue is found in multiple mammalian species, which suggests that this missense change does not adversely affect protein function. In summary, the available evidence is currently insufficient to determine the role of this variant in disease. Therefore, it has been classified as a Variant of Uncertain Significance.